The following is an entry in ClinVar:

NM_002949.4(MRPL12):c.261+6G>A

Gene: MRPL12 (mitochondrial ribosomal protein L12; plus strand). Cytogenetic location: 17q25.3.
Variant type: single nucleotide variant.
Coding change: c.261+6G>A on transcript NM_002949.4 (MANE Select); 6 bases into the intron after coding-DNA position 261, G replaced by A.
Molecular consequence: intron variant.
Genome position (GRCh38, 1-based): chr17:81,704,436, G>A. VCF-style: chr17-81704436-G-A. GRCh37 (hg19) VCF-style: chr17-79671466-G-A.
Identifiers: ClinVar variation 2977201 (VCV002977201.3), dbSNP rs1013459967, ClinGen allele CA295106887.

ClinVar aggregate classification (germline): Uncertain significance (1 of 4 stars; one submission).

Allele frequency attached by ClinVar (database versions not stated): gnomAD exomes below 0.00001; TOPMed 0.00003.
gnomAD v4.1: 6 of 1,609,948 alleles (0.00037%); highest among the groups gnomAD compares: African/African-American, 0.0053%; no homozygotes.

Submission:

Labcorp Genetics (formerly Invitae), Labcorp
Classification: Uncertain significance. Last evaluated: 2023-11-13. Review status: criteria provided, single submitter. Criteria: Invitae Variant Classification Sherloc (09022015). Collection method: clinical testing. Allele origin: germline.
Comment: This sequence change falls in intron 2 of the MRPL12 gene. It does not directly change the encoded amino acid sequence of the MRPL12 protein. It affects a nucleotide within the consensus splice site. The frequency data for this variant in the population databases is considered unreliable, as metrics indicate poor data quality at this position in the gnomAD database. This variant has not been reported in the literature in individuals affected with MRPL12-related conditions. Variants that disrupt the consensus splice site are a relatively common cause of aberrant splicing (PMID: 17576681, 9536098). Algorithms developed to predict the effect of sequence changes on RNA splicing suggest that this variant is not likely to affect RNA splicing. In summary, the available evidence is currently insufficient to determine the role of this variant in disease. Therefore, it has been classified as a Variant of Uncertain Significance.

Literature cited by the submitters: PubMed 17576681; PubMed 9536098.